The following is an entry in ClinVar:

ClinVar aggregate classification (germline): Uncertain significance (1 of 4 stars; one submission).

Conditions:
Autoimmune lymphoproliferative syndrome type 1. Also called: AUTOIMMUNE LYMPHOPROLIFERATIVE SYNDROME, TYPE I, AUTOSOMAL DOMINANT. Identifiers: Orphanet 3261, MedGen C2717884, MONDO:0011158, OMIM 601859.

Submission:

Labcorp Genetics (formerly Invitae), Labcorp
Classification: Uncertain significance for Autoimmune lymphoproliferative syndrome. Last evaluated: 2024-10-03. Review status: criteria provided, single submitter. Criteria: Invitae Variant Classification Sherloc (09022015). Collection method: clinical testing. Allele origin: germline.
Comment: This sequence change falls in intron 2 of the FAS gene. It does not directly change the encoded amino acid sequence of the FAS protein. It affects a nucleotide within the consensus splice site. This variant is not present in population databases (gnomAD no frequency). This variant has not been reported in the literature in individuals affected with FAS-related conditions. ClinVar contains an entry for this variant (Variation ID: 2105287). Variants that disrupt the consensus splice site are a relatively common cause of aberrant splicing (PMID: 17576681, 9536098). Algorithms developed to predict the effect of sequence changes on RNA splicing suggest that this variant may disrupt the consensus splice site. In summary, the available evidence is currently insufficient to determine the role of this variant in disease. Therefore, it has been classified as a Variant of Uncertain Significance.

Literature cited by the submitters: PubMed 17576681; PubMed 9536098.

NM_000043.6(FAS):c.196+2dup

Gene: FAS (Fas cell surface death receptor; plus strand). Cytogenetic location: 10q23.31.
Variant type: Duplication.
Coding change: c.196+2dup on transcript NM_000043.6 (MANE Select); the canonical splice donor site of the intron after coding-DNA position 196, one base duplicated (T; older notation c.196+2dupT).
Molecular consequence: splice donor variant.
Genome position (GRCh38, 1-based): chr10:89,003,196, T duplicated. VCF-style (leftmost placement, unchanged base first): chr10-89003195-G-GT. GRCh37 (hg19) VCF-style: chr10-90762952-G-GT.
Other names: c.196+2dup (NM_152872.4, NM_001320619.2, NM_152871.4).
Identifiers: ClinVar variation 2105287 (VCV002105287.4), dbSNP rs2495024985, ClinGen allele CA2580082374.